The following is an entry in ClinVar:

NM_004247.4(EFTUD2):c.980A>C (p.Tyr327Ser)

Gene: EFTUD2 (elongation factor Tu GTP binding domain containing 2; minus strand). Cytogenetic location: 17q21.31.
Variant type: single nucleotide variant.
Coding change: c.980A>C on transcript NM_004247.4 (MANE Select); coding-DNA position 980, A replaced by C.
Protein change: p.Tyr327Ser; replaces tyrosine 327 with serine.
Molecular consequence: missense variant.
Genome position (GRCh38, 1-based): chr17:44,872,460, T>G on the plus strand (A>C on the coding strand, the complement: EFTUD2 is on the minus strand). VCF-style: chr17-44872460-T-G. GRCh37 (hg19) VCF-style: chr17-42949828-T-G.
Other names: c.875A>C, p.Tyr292Ser (NM_001142605.2); c.980A>C, p.Tyr327Ser (NM_001258353.2); c.950A>C, p.Tyr317Ser (NM_001258354.2); short protein forms Y292S, Y327S, Y317S.
Identifiers: ClinVar variation 4993637 (VCV004993637.1).

ClinVar aggregate classification (germline): Uncertain significance (1 of 4 stars; one submission).

Conditions:
EFTUD2-related disorder. Also called: EFTUD2-related condition.

Submission:

PreventionGenetics, part of Exact Sciences
Classification: Uncertain significance for EFTUD2-related condition. Last evaluated: 2026-08-14. Review status: criteria provided, single submitter. Criteria: ACMG Guidelines, 2015. Collection method: clinical testing. Allele origin: germline.
Comment: The EFTUD2 c.980A>C variant is predicted to result in the amino acid substitution p.Tyr327Ser. To our knowledge, this variant has not been reported in the literature or in a large population database (gnomAD), indicating this variant is rare. At this time, the clinical significance of this variant is uncertain due to the absence of conclusive functional and genetic evidence.